The following is an entry in ClinVar:

NM_001277115.2(DNAH11):c.6180+6G>A

Gene: DNAH11 (dynein axonemal heavy chain 11; plus strand). Cytogenetic location: 7p15.3.
Variant type: single nucleotide variant.
Coding change: c.6180+6G>A on transcript NM_001277115.2 (MANE Select); 6 bases into the intron after coding-DNA position 6180, G replaced by A.
Molecular consequence: intron variant.
Genome position (GRCh38, 1-based): chr7:21,698,219, G>A. VCF-style: chr7-21698219-G-A. GRCh37 (hg19) VCF-style: chr7-21737837-G-A.
Identifiers: ClinVar variation 1005954 (VCV001005954.5), dbSNP rs770361540, ClinGen allele CA4180705.

ClinVar aggregate classification (germline): Uncertain significance (1 of 4 stars; one submission).

Conditions:
Primary ciliary dyskinesia. Also called: Ciliary dyskinesia. Identifiers: Orphanet 244, MedGen C0008780, MONDO:0016575, HP:0012265.

Allele frequency attached by ClinVar (database versions not stated): gnomAD exomes 0.00001; ExAC 0.00002; TOPMed 0.00008.
gnomAD v4.1: 23 of 1,612,540 alleles (0.0014%); highest among the groups gnomAD compares: African/African-American, 0.027%; no homozygotes.

Submission:

Labcorp Genetics (formerly Invitae), Labcorp
Classification: Uncertain significance for Primary ciliary dyskinesia. Last evaluated: 2024-03-11. Review status: criteria provided, single submitter. Criteria: Invitae Variant Classification Sherloc (09022015). Collection method: clinical testing. Allele origin: germline.
Comment: This sequence change falls in intron 36 of the DNAH11 gene. It does not directly change the encoded amino acid sequence of the DNAH11 protein. It affects a nucleotide within the consensus splice site. This variant is present in population databases (rs770361540, gnomAD 0.03%). This variant has not been reported in the literature in individuals affected with DNAH11-related conditions. ClinVar contains an entry for this variant (Variation ID: 1005954). Variants that disrupt the consensus splice site are a relatively common cause of aberrant splicing (PMID: 17576681, 9536098). Algorithms developed to predict the effect of sequence changes on RNA splicing suggest that this variant is not likely to affect RNA splicing. In summary, the available evidence is currently insufficient to determine the role of this variant in disease. Therefore, it has been classified as a Variant of Uncertain Significance.

Literature cited by the submitters: PubMed 17576681; PubMed 9536098.